The following is an entry in ClinVar:

ClinVar aggregate classification (germline): Benign/Likely benign. Review status: criteria provided, multiple submitters, no conflicts (2 of 4 stars). 9 submissions from 7 submitters: Benign (4); Likely benign (5). Last evaluated 2026-01-11.

Conditions:
Liddle syndrome 1 (LIDLS1). Also called: PSEUDOALDOSTERONISM. Identifiers: Orphanet 526, MedGen CN031472, MONDO:0020607, OMIM 177200.
Bronchiectasis with or without elevated sweat chloride 1 (BESC1). Also called: Cystic Fibrosis-Like Syndrome. Identifiers: Orphanet 60033, MedGen C2749757, MONDO:0008887, OMIM 211400.
Pseudohypoaldosteronism, type IB1, autosomal recessive. Also called: Autosomal recessive pseudohypoaldosteronism type 1; PHA I, AUTOSOMAL RECESSIVE; Pseudohypoaldosteronism, Type I, Autosomal Recessive; Pseudohypoaldosteronism, Type I, Recessive. Identifiers: Orphanet 171876, Orphanet 756, MedGen C5774176, MONDO:0009917, OMIM 264350.

Allele frequency attached by ClinVar (database versions not stated): gnomAD exomes 0.00051 and 0.00137; ExAC 0.00153; ESP Exome Variant Server 0.00454; gnomAD 0.00524 and 0.00551; 1000 Genomes Project 0.00579; 1000 Genomes Project 30x 0.00609.
gnomAD v4.1: 1,596 of 1,614,142 alleles (0.099%); highest among the groups gnomAD compares: African/African-American, 1.6%; 10 homozygotes.

Submissions (9):

Labcorp Genetics (formerly Invitae), Labcorp
Classification: Benign. Last evaluated: 2026-01-11. Review status: criteria provided, single submitter. Criteria: Invitae Variant Classification Sherloc (09022015). Collection method: clinical testing. Allele origin: germline.

Blueprint Genetics
Classification: Likely benign. Last evaluated: 2024-11-13. Review status: criteria provided, single submitter. Criteria: ACMG Guidelines, 2015. Collection method: clinical testing. Allele origin: germline.

Fulgent Genetics
Classification: Likely benign for Liddle syndrome 1; Bronchiectasis with or without elevated sweat chloride 1; Pseudohypoaldosteronism, type IB1, autosomal recessive. Last evaluated: 2021-08-13. Review status: criteria provided, single submitter. Criteria: ACMG Guidelines, 2015. Collection method: clinical testing. Allele origin: unknown.

GeneDx
Classification: Likely benign. Last evaluated: 2021-06-10. Review status: criteria provided, single submitter. Criteria: GeneDx Variant Classification Process June 2021. Collection method: clinical testing. Allele origin: germline. Affected: yes.

Athena Diagnostics
Classification: Benign. Last evaluated: 2020-03-19. Review status: criteria provided, single submitter. Criteria: Athena Diagnostics Criteria. Collection method: clinical testing. Allele origin: unknown.

Illumina Laboratory Services, Illumina
Classification: Likely benign for Pseudohypoaldosteronism, type IB1, autosomal recessive. Last evaluated: 2018-01-12. Review status: criteria provided, single submitter. Criteria: ICSL Variant Classification Criteria 13 December 2019. Collection method: clinical testing. Allele origin: germline.
Comment: This variant was observed in the ICSL laboratory as part of a predisposition screen in an ostensibly healthy population. It had not been previously curated by ICSL or reported in the Human Gene Mutation Database (HGMD: prior to June 1st, 2018), and was therefore a candidate for classification through an automated scoring system. Utilizing variant allele frequency, disease prevalence and penetrance estimates, and inheritance mode, an automated score was calculated to assess if this variant is too frequent to cause the disease. Based on the score and internal cut-off values, a variant classified as likely benign is not then subjected to further curation. The score for this variant resulted in a classification of likely benign for this disease.

Illumina Laboratory Services, Illumina
Classification: Benign for Liddle syndrome 1. Last evaluated: 2018-01-12. Review status: criteria provided, single submitter. Criteria: ICSL Variant Classification Criteria 13 December 2019. Collection method: clinical testing. Allele origin: germline.
Comment: This variant was observed in the ICSL laboratory as part of a predisposition screen in an ostensibly healthy population. It had not been previously curated by ICSL or reported in the Human Gene Mutation Database (HGMD: prior to June 1st, 2018), and was therefore a candidate for classification through an automated scoring system. Utilizing variant allele frequency, disease prevalence and penetrance estimates, and inheritance mode, an automated score was calculated to assess if this variant is too frequent to cause the disease. Based on the score and internal cut-off values, a variant classified as benign is not then subjected to further curation. The score for this variant resulted in a classification of benign for this disease.

Illumina Laboratory Services, Illumina
Classification: Benign for Bronchiectasis with or without elevated sweat chloride 1. Last evaluated: 2018-01-12. Review status: criteria provided, single submitter. Criteria: ICSL Variant Classification Criteria 13 December 2019. Collection method: clinical testing. Allele origin: germline.
Comment: the same text as in the submission from Illumina Laboratory Services, Illumina above.

Breakthrough Genomics
Classification: Likely benign. Review status: criteria provided, single submitter. Criteria: ACMG Guidelines, 2015. Collection method: not provided. Allele origin: germline. Inheritance: Autosomal dominant inheritance. Affected: yes.

NM_000336.3(SCNN1B):c.282C>T (p.Ala94=)

Gene: SCNN1B (sodium channel epithelial 1 subunit beta; plus strand). Cytogenetic location: 16p12.2.
Variant type: single nucleotide variant.
Coding change: c.282C>T on transcript NM_000336.3 (MANE Select); coding-DNA position 282, C replaced by T.
Protein change: p.Ala94=; no amino-acid change (alanine 94 retained).
Molecular consequence: synonymous variant.
Genome position (GRCh38, 1-based): chr16:23,348,881, C>T. VCF-style: chr16-23348881-C-T. GRCh37 (hg19) VCF-style: chr16-23360202-C-T.
Identifiers: ClinVar variation 318420 (VCV000318420.18), dbSNP rs139950628, ClinGen allele CA7960102.